The following is an entry in ClinVar:

NM_176787.5(PIGN):c.2283+3A>G

Gene: PIGN (phosphatidylinositol glycan anchor biosynthesis class N; minus strand). Cytogenetic location: 18q21.33.
Variant type: single nucleotide variant.
Coding change: c.2283+3A>G on transcript NM_176787.5 (MANE Select); 3 bases into the intron after coding-DNA position 2283, A replaced by G.
Molecular consequence: intron variant.
Genome position (GRCh38, 1-based): chr18:62,090,473, T>C on the plus strand (A>G on the coding strand, the complement: PIGN is on the minus strand). VCF-style: chr18-62090473-T-C. GRCh37 (hg19) VCF-style: chr18-59757706-T-C.
Other names: c.2283+3A>G (NM_012327.6).
Identifiers: ClinVar variation 836520 (VCV000836520.7), dbSNP rs1456523787, ClinGen allele CA630105190.
Genomic context (GRCh38, chr18:62,090,473, plus strand): 5'-ACTTCCTTATAGGATAGAGACTAATAGTCTCAAATAAAAACAAAAATGACTTTGACCAGC[T>C]ACCTTTTGTTTACAGCAAACACCAGATTGTTGTAGAGTTTCTTGTTCTATGTTTATCCAG-3'

ClinVar aggregate classification (germline): Uncertain significance. Review status: criteria provided, multiple submitters, no conflicts (2 of 4 stars). 2 submissions from 2 submitters: Uncertain significance (2). Last evaluated 2026-10-07.

Conditions:
Multiple congenital anomalies-hypotonia-seizures syndrome 1 (MCAHS1). Also called: GLYCOSYLPHOSPHATIDYLINOSITOL BIOSYNTHESIS DEFECT 3; PIGN-CDG; Congenital disorder of glycosylation due to PIGN deficiency. Identifiers: Orphanet 280633, MedGen C3279775, MONDO:0013563, OMIM 614080.

Allele frequency attached by ClinVar (database versions not stated): gnomAD exomes below 0.00001; gnomAD 0.00002 and 0.00003; TOPMed 0.00002.
gnomAD v4.1: 5 of 1,571,096 alleles (0.00032%); highest among the groups gnomAD compares: African/African-American, 0.0054%; no homozygotes.

Submissions (2):

GeneDx
Classification: Uncertain significance. Last evaluated: 2026-10-07. Review status: criteria provided, single submitter. Criteria: GeneDx Variant Classification Process June 2021. Collection method: clinical testing. Allele origin: germline.
Comment: Has not been previously published as pathogenic or benign to our knowledge; In silico analysis supports a deleterious effect on splicing

Labcorp Genetics (formerly Invitae), Labcorp
Classification: Uncertain significance for Multiple congenital anomalies-hypotonia-seizures syndrome 1. Last evaluated: 2024-01-15. Review status: criteria provided, single submitter. Criteria: Invitae Variant Classification Sherloc (09022015). Collection method: clinical testing. Allele origin: germline.
Comment: This sequence change falls in intron 24 of the PIGN gene. It does not directly change the encoded amino acid sequence of the PIGN protein. It affects a nucleotide within the consensus splice site. This variant is present in population databases (no rsID available, gnomAD 0.02%). This variant has not been reported in the literature in individuals affected with PIGN-related conditions. ClinVar contains an entry for this variant (Variation ID: 836520). Variants that disrupt the consensus splice site are a relatively common cause of aberrant splicing (PMID: 17576681, 9536098). Algorithms developed to predict the effect of sequence changes on RNA splicing suggest that this variant may disrupt the consensus splice site. In summary, the available evidence is currently insufficient to determine the role of this variant in disease. Therefore, it has been classified as a Variant of Uncertain Significance.

Literature cited by the submitters: PubMed 17576681 (cited by Labcorp Genetics (formerly Invitae), Labcorp); PubMed 9536098 (cited by Labcorp Genetics (formerly Invitae), Labcorp).